The following is an entry in ClinVar:

NM_000043.6(FAS):c.222A>G (p.Thr74=)

Gene: FAS (Fas cell surface death receptor; plus strand). Cytogenetic location: 10q23.31.
Variant type: single nucleotide variant.
Coding change: c.222A>G on transcript NM_000043.6 (MANE Select); coding-DNA position 222, A replaced by G.
Protein change: p.Thr74=; no amino-acid change (threonine 74 retained).
Molecular consequence: synonymous variant. On other transcripts: non-coding transcript variant (4).
Genome position (GRCh38, 1-based): chr10:89,007,725, A>G. VCF-style: chr10-89007725-A-G. GRCh37 (hg19) VCF-style: chr10-90767482-A-G.
Other names: p.Thr74=; c.222A>G, p.Thr74= (NM_001320619.2, NM_152871.4, NM_152872.4).
Identifiers: ClinVar variation 301527 (VCV000301527.20), dbSNP rs2229521, ClinGen allele CA5593068.

ClinVar aggregate classification (germline): Benign/Likely benign. Review status: criteria provided, multiple submitters, no conflicts (2 of 4 stars). 8 submissions from 8 submitters: Benign (7); Likely benign (1). Last evaluated 2026-02-04.

Conditions:
Autoimmune lymphoproliferative syndrome type 1. Also called: AUTOIMMUNE LYMPHOPROLIFERATIVE SYNDROME, TYPE I, AUTOSOMAL DOMINANT. Identifiers: Orphanet 3261, MedGen C2717884, MONDO:0011158, OMIM 601859.

Allele frequency attached by ClinVar (database versions not stated): ESP Exome Variant Server 0.03237; gnomAD 0.03925 and 0.04059; 1000 Genomes Project 0.04073; 1000 Genomes Project 30x 0.04076; TOPMed 0.04808; gnomAD exomes 0.05017 and 0.06333; ExAC 0.05642.
gnomAD v4.1: 79,148 of 1,613,964 alleles (4.9%); highest among the groups gnomAD compares: Admixed American, 18%; 2,810 homozygotes.

Submissions (8):

Labcorp Genetics (formerly Invitae), Labcorp
Classification: Benign for Autoimmune lymphoproliferative syndrome. Last evaluated: 2026-02-04. Review status: criteria provided, single submitter. Criteria: Invitae Variant Classification Sherloc (09022015). Collection method: clinical testing. Allele origin: germline.

Women's Health and Genetics/Laboratory Corporation of America, LabCorp
Classification: Benign. Last evaluated: 2026-01-21. Review status: criteria provided, single submitter. Criteria: LabCorp Variant Classification Summary - May 2015. Collection method: clinical testing. Allele origin: germline.

Blueprint Genetics
Classification: Likely benign. Last evaluated: 2024-11-27. Review status: criteria provided, single submitter. Criteria: ACMG Guidelines, 2015. Collection method: clinical testing. Allele origin: germline.

Unidad de Genómica Garrahan, Hospital de Pediatría Garrahan
Classification: Benign. Last evaluated: 2023-11-12. Review status: criteria provided, single submitter. Criteria: ACMG Guidelines, 2015. Collection method: clinical testing. Allele origin: germline. Affected: no. Observed: 20 variant alleles.
Comment: This variant is classified as Benign based on local population frequency. This variant was detected in 21% of patients studied by a panel of primary immunodeficiencies. Number of patients: 20. Only high quality variants are reported.

Mayo Clinic Laboratories, Mayo Clinic
Classification: Benign. Last evaluated: 2023-06-20. Review status: criteria provided, single submitter. Criteria: ACMG Guidelines, 2015. Collection method: clinical testing. Allele origin: germline. Observed: 16 variant alleles.
Comment: BA1

Illumina Laboratory Services, Illumina
Classification: Benign for Autoimmune lymphoproliferative syndrome type 1. Last evaluated: 2018-03-06. Review status: criteria provided, single submitter. Criteria: ICSL Variant Classification Criteria 13 December 2019. Collection method: clinical testing. Allele origin: germline.
Comment: This variant was observed in the ICSL laboratory as part of a predisposition screen in an ostensibly healthy population. It had not been previously curated by ICSL or reported in the Human Gene Mutation Database (HGMD: prior to June 1st, 2018), and was therefore a candidate for classification through an automated scoring system. Utilizing variant allele frequency, disease prevalence and penetrance estimates, and inheritance mode, an automated score was calculated to assess if this variant is too frequent to cause the disease. Based on the score and internal cut-off values, a variant classified as benign is not then subjected to further curation. The score for this variant resulted in a classification of benign for this disease.

GeneDx
Classification: Benign. Last evaluated: 2015-03-03. Review status: criteria provided, single submitter. Criteria: GeneDx Variant Classification Process June 2021. Collection method: clinical testing. Allele origin: germline. Affected: yes.
Comment: This variant is associated with the following publications: (PMID: 10402071)

Breakthrough Genomics
Classification: Benign. Review status: criteria provided, single submitter. Criteria: ACMG Guidelines, 2015. Collection method: not provided. Allele origin: germline. Inheritance: Autosomal dominant inheritance. Affected: yes.